The following is an entry in ClinVar:

NM_001387430.1(SH2B1):c.914G>A (p.Arg305His)

Gene: SH2B1 (SH2B adaptor protein 1; plus strand). Cytogenetic location: 16p11.2.
Variant type: single nucleotide variant.
Coding change: c.914G>A on transcript NM_001387430.1 (MANE Select); coding-DNA position 914, G replaced by A.
Protein change: p.Arg305His; replaces arginine 305 with histidine.
Molecular consequence: missense variant. On other transcripts: intron variant (1).
Genome position (GRCh38, 1-based): chr16:28,867,008, G>A. VCF-style: chr16-28867008-G-A. GRCh37 (hg19) VCF-style: chr16-28878329-G-A.
Other names: c.914G>A, p.Arg305His (NM_001145795.2, NM_001145796.2, NM_001145797.2 and 4 more transcripts); c.-26-366G>A (NM_001308294.2); short protein forms R305H.
Identifiers: ClinVar variation 3345877 (VCV003345877.1).
Genomic context (GRCh38, chr16:28,867,008, plus strand): 5'-CTCAGTGGCAGAAGTGTCGCCTGCTGCTTCGAAGTGAAGGAGAAGGAGGAGGAGGAAGTC[G>A]CCTGGAGTTCTTTGTACCACCCAAGGTGAGGCCCCTTGGAGGGTGGGTGACTGAGAGCAA-3'
Protein context (NP_001374359.1, residues 295-315): RSEGEGGGGS[Arg305His]LEFFVPPKAS

ClinVar aggregate classification (germline): Uncertain significance (0 of 4 stars; one submission).

Conditions:
SH2B1-related disorder. Also called: SH2B1-related condition.

Submission:

PreventionGenetics, part of Exact Sciences
Classification: Uncertain significance for SH2B1-related condition. Last evaluated: 2024-06-19. Review status: no assertion criteria provided. Collection method: clinical testing. Allele origin: germline.
Comment: The SH2B1 c.914G>A variant is predicted to result in the amino acid substitution p.Arg305His. This variant was reported as de novo in two large cohorts of individuals with developmental disorders or autism (supplementary data, Kaplanis et al. 2020. PubMed ID: 33057194; supplementary data, Zhou et al. 2022. PubMed ID: 35982159). This variant is reported in 0.0029% of alleles in individuals of Latino descent in gnomAD. At this time, the clinical significance of this variant is uncertain due to the absence of conclusive functional and genetic evidence.